The following is an entry in ClinVar:

NM_020795.4(NLGN2):c.1018C>T (p.Gln340Ter)

Gene: NLGN2 (neuroligin 2; plus strand). Cytogenetic location: 17p13.1.
Variant type: single nucleotide variant.
Coding change: c.1018C>T on transcript NM_020795.4 (MANE Select); coding-DNA position 1018, C replaced by T.
Protein change: p.Gln340Ter; replaces glutamine 340 with a stop codon.
Molecular consequence: nonsense.
Genome position (GRCh38, 1-based): chr17:7,415,129, C>T. VCF-style: chr17-7415129-C-T. GRCh37 (hg19) VCF-style: chr17-7318448-C-T.
Other names: short protein forms Q340*.
Identifiers: ClinVar variation 4770282 (VCV004770282.1).

ClinVar aggregate classification (germline): Uncertain significance (1 of 4 stars; one submission).

Submission:

Labcorp Genetics (formerly Invitae), Labcorp
Classification: Uncertain significance. Last evaluated: 2025-10-07. Review status: criteria provided, single submitter. Criteria: Invitae Variant Classification Sherloc (09022015). Collection method: clinical testing. Allele origin: germline.
Comment: This sequence change creates a premature translational stop signal (p.Gln340*) in the NLGN2 gene. It is expected to result in an absent or disrupted protein product. However, the current clinical and genetic evidence is not sufficient to establish whether loss-of-function variants in NLGN2 cause disease. This variant is not present in population databases (gnomAD no frequency). This variant has not been reported in the literature in individuals affected with NLGN2-related conditions. In summary, the available evidence is currently insufficient to determine the role of this variant in disease. Therefore, it has been classified as a Variant of Uncertain Significance.